The following is an entry in ClinVar:

ClinVar aggregate classification (germline): Likely benign. Review status: criteria provided, single submitter (1 of 4 stars). 2 submissions from 2 submitters: Likely benign (1). 1 of the submissions does not count toward it. Last evaluated 2026-01-26.

Conditions:
TONSL-related disorder. Also called: TONSL-related condition.

Allele frequency attached by ClinVar (database versions not stated): 1000 Genomes Project 30x 0.00031; 1000 Genomes Project 0.00040; TOPMed 0.00089; ExAC 0.00098; gnomAD exomes 0.00098; gnomAD 0.00117 and 0.00121; ESP Exome Variant Server 0.00146.
gnomAD v4.1: 2,791 of 1,612,080 alleles (0.17%); highest among the groups gnomAD compares: Non-Finnish European, 0.21%; 2 homozygotes.

Submissions (2):

Labcorp Genetics (formerly Invitae), Labcorp
Classification: Likely benign. Last evaluated: 2026-01-26. Review status: criteria provided, single submitter. Criteria: Invitae Variant Classification Sherloc (09022015). Collection method: clinical testing. Allele origin: germline.

PreventionGenetics, part of Exact Sciences
Classification: Likely benign for TONSL-related condition. Last evaluated: 2024-06-14. Review status: no assertion criteria provided. Collection method: clinical testing. Allele origin: germline. Not counted in ClinVar's aggregate classification.
Comment: This variant is classified as likely benign based on ACMG/AMP sequence variant interpretation guidelines (Richards et al. 2015 PMID: 25741868, with internal and published modifications).

NM_013432.5(TONSL):c.1950C>G (p.Asp650Glu)

Genes: TONSL (tonsoku like, DNA repair protein; minus strand), TONSL-AS1 (TONSL antisense RNA 1; plus strand). Cytogenetic location: 8q24.3.
Variant type: single nucleotide variant.
Coding change: c.1950C>G on transcript NM_013432.5 (MANE Select); coding-DNA position 1950, C replaced by G.
Protein change: p.Asp650Glu; replaces aspartic acid 650 with glutamic acid.
Molecular consequence: missense variant.
Genome position (GRCh38, 1-based): chr8:144,436,622, G>C on the plus strand (C>G on the coding strand, the complement: TONSL is on the minus strand). VCF-style: chr8-144436622-G-C. GRCh37 (hg19) VCF-style: chr8-145662005-G-C.
Other names: c.1950C>G (NM_013432.4); short protein forms D650E.
Identifiers: ClinVar variation 1632359 (VCV001632359.9), dbSNP rs141505364, ClinGen allele CA4942986.
Genomic context (GRCh38, chr8:144,436,622, plus strand): 5'-GCCCGAGGCAGCCGCCTGGAGCAGCATCTCCATGGCCCTGGCCTTCTGCCGCGTCTCCAG[G>C]TCCAGGTCCCTGCGGTACAGCTTCACCCACTGCTGCAGCGTCTCCAGCGGGCTGAGGCCC-3'
Protein context (NP_038460.4, residues 640-660): QWVKLYRRDL[Asp650Glu]LETRQKARAM